The following is an entry in ClinVar:

NM_001009944.3(PKD1):c.9456G>A (p.Arg3152=)

Gene: PKD1 (polycystin 1, transient receptor potential channel interacting; minus strand). Cytogenetic location: 16p13.3.
Variant type: single nucleotide variant.
Coding change: c.9456G>A on transcript NM_001009944.3 (MANE Select); coding-DNA position 9456, G replaced by A.
Protein change: p.Arg3152=; no amino-acid change (arginine 3152 retained).
Molecular consequence: synonymous variant.
Genome position (GRCh38, 1-based): chr16:2,100,508, C>T on the plus strand (G>A on the coding strand, the complement: PKD1 is on the minus strand). VCF-style: chr16-2100508-C-T. GRCh37 (hg19) VCF-style: chr16-2150509-C-T.
Other names: p.Arg3152=; c.9456G>A, p.Arg3152= (NM_000296.4).
Identifiers: ClinVar variation 997180 (VCV000997180.19), dbSNP rs146745256, ClinGen allele CA7830082.

ClinVar aggregate classification (germline): Likely benign. Review status: criteria provided, multiple submitters, no conflicts (2 of 4 stars). 7 submissions from 7 submitters: Likely benign (6). 1 of the submissions does not count toward it. Last evaluated 2025-07-21.

Conditions:
Polycystic kidney disease. Also called: Kidney, Polycystic; Polycystic kidney dysplasia. Identifiers: MedGen C0022680, MeSH D007690, MONDO:0020642, HP:0000113.
Polycystic kidney disease, adult type (PKD1). Also called: Polycystic Kidney, Autosomal Dominant; POLYCYSTIC KIDNEY DISEASE, ADULT, TYPE I; Polycystic Kidney Disease 1, Autosomal Dominant; Polycystic kidney disease 1; Polycystic kidney disease 1, severe; POLYCYSTIC KIDNEY DISEASE 1 WITH OR WITHOUT POLYCYSTIC LIVER DISEASE. Identifiers: MedGen C3149841, MONDO:0008263, OMIM 173900.

Allele frequency attached by ClinVar (database versions not stated): gnomAD exomes 0.00014 and 0.00043; ExAC 0.00056; gnomAD 0.00129 and 0.00137; TOPMed 0.00145; ESP Exome Variant Server 0.00170; 1000 Genomes Project 30x 0.00187; 1000 Genomes Project 0.00200.
gnomAD v4.1: 406 of 1,610,610 alleles (0.025%); highest among the groups gnomAD compares: African/African-American, 0.49%; 4 homozygotes.

Submissions (7):

Women's Health and Genetics/Laboratory Corporation of America, LabCorp
Classification: Likely benign. Last evaluated: 2025-07-21. Review status: criteria provided, single submitter. Criteria: LabCorp Variant Classification Summary - May 2015. Collection method: clinical testing. Allele origin: germline.

Mayo Clinic Laboratories, Mayo Clinic
Classification: Likely benign. Last evaluated: 2025-04-18. Review status: criteria provided, single submitter. Criteria: ACMG Guidelines, 2015. Collection method: clinical testing. Allele origin: germline. Observed: 2 variant alleles.
Comment: BS1, BP4, BP7

CeGaT Center for Human Genetics Tuebingen
Classification: Likely benign. Last evaluated: 2025-02-01. Review status: criteria provided, single submitter. Criteria: CeGaT Center For Human Genetics Tuebingen Variant Classification Criteria Version 2. Collection method: clinical testing. Allele origin: germline. Affected: yes. Observed: 1 variant allele.
Comment: PKD1: BP4, BP7

Blueprint Genetics
Classification: Likely benign. Last evaluated: 2024-10-08. Review status: criteria provided, single submitter. Criteria: ACMG Guidelines, 2015. Collection method: clinical testing. Allele origin: germline.

Fulgent Genetics
Classification: Likely benign for Polycystic kidney disease, adult type. Last evaluated: 2021-10-11. Review status: criteria provided, single submitter. Criteria: ACMG Guidelines, 2015. Collection method: clinical testing. Allele origin: unknown.

Breakthrough Genomics
Classification: Likely benign. Review status: criteria provided, single submitter. Criteria: ACMG Guidelines, 2015. Collection method: not provided. Allele origin: germline. Inheritance: Autosomal dominant inheritance. Affected: yes.

Department of Pathology and Laboratory Medicine, Sinai Health System
Classification: Likely benign for Polycystic Kidney disease. Review status: no assertion criteria provided. Collection method: clinical testing. Allele origin: unknown. Affected: yes. Study: The Canadian Open Genetics Repository (COGR). Not counted in ClinVar's aggregate classification.
Comment: The PKD1 p.Arg3152= variant was not identified in the literature nor was it identified in the ClinVar, COGR, LOVD 3.0, or PKD1-LOVD databases. The variant was identified in dbSNP (ID: rs146745256) as â€šÃ„ÃºNAâ€šÃ„Ã¹, and ADPKD Mutation Database (as likely neutral). The variant was identified in control databases in 147 of 274740 chromosomes at a frequency of 0.000535 increasing the likelihood this could be a low frequency variant (Genome Aggregation Database Feb 27, 2017). Observation by population include African in 136 of 23518 chromosomes (freq: 0.005783), â€šÃ„ÃºOtherâ€šÃ„Ã¹ in 2 of 6406 chromosomes (freq: 0.000312), Latino in 5 of 34380 chromosomes (freq: 0.000145), European (Non-Finnish) in 2 of 125032 chromosomes (freq: 0.000016), East Asian in 1 of 18826 chromosomes (freq: 0.000053), and South Asian in 1 of 30770 chromosomes (freq: 0.000033), while the variant was not observed in the Ashkenazi Jewish, or European (Finnish) populations. The variant was identified with a co-occurring pathogenic PKD1 variant (p.His1347GlnfsX83), increasing the likelihood that the p.Arg3152= variant does not have clinical significance. The p.Arg3152= variant is not expected to have clinical significance because it does not result in a change of amino acid and is not located in a known consensus splice site. In addition, in silico or computational prediction software programs (SpliceSiteFinder, MaxEntScan, NNSPLICE, GeneSplicer, HumanSpliceFinder) do not predict a difference in splicing. In summary, based on the above information the clinical significance of this variant cannot be determined with certainty at this time although we would lean towards a more benign role for this variant. This variant is classified as likely benign.